The following is an entry in ClinVar:

ClinVar aggregate classification (germline): Uncertain significance. Review status: criteria provided, multiple submitters, no conflicts (2 of 4 stars). 3 submissions from 3 submitters: Uncertain significance (3). Last evaluated 2026-04-09.

Conditions:
Hereditary cancer-predisposing syndrome. Also called: Hereditary Cancer Syndrome; Neoplastic Syndromes, Hereditary; Tumor predisposition; Hereditary neoplastic syndrome. Identifiers: Orphanet 140162, MedGen C0027672, MeSH D009386, MONDO:0015356.
Familial adenomatous polyposis 1 (FAP1). Also called: FAMILIAL ADENOMATOUS POLYPOSIS 1, ATTENUATED; POLYPOSIS, ADENOMATOUS INTESTINAL. Identifiers: MedGen C2713442, MONDO:0021056, OMIM 175100. Disease mechanism: loss of function.

Allele frequency attached by ClinVar (database versions not stated): gnomAD exomes below 0.00001.
gnomAD v4.1: 1 of 1,614,050 alleles (0.000062%); highest among the groups gnomAD compares: Non-Finnish European, 0.000085%; no homozygotes.

Submissions (3):

Ambry Genetics
Classification: Uncertain significance for Hereditary cancer-predisposing syndrome. Last evaluated: 2026-04-09. Review status: criteria provided, single submitter. Criteria: Ambry Variant Classification Scheme 2023. Collection method: clinical testing. Allele origin: germline.
Comment: The p.D432A variant (also known as c.1295A>C), located in coding exon 9 of the APC gene, results from an A to C substitution at nucleotide position 1295. The aspartic acid at codon 432 is replaced by alanine, an amino acid with dissimilar properties. This amino acid position is highly conserved in available vertebrate species. In addition, in silico predictors for this gene do not accurately predict pathogenicity. Missense variants in APC are not a common cause of disease (Spier I et al. Genet Med. 2024 Feb;26(2):100992). Based on the available evidence, the clinical significance of this variant remains unclear.

Molecular Pathology, Peter Maccallum Cancer Centre
Classification: Uncertain significance for Familial adenomatous polyposis 1. Last evaluated: 2024-09-05. Review status: criteria provided, single submitter. Criteria: ACMG Guidelines, 2015. Collection method: clinical testing. Allele origin: germline. Inheritance: Autosomal dominant inheritance.

Color Diagnostics, LLC DBA Color Health
Classification: Uncertain significance for Hereditary cancer-predisposing syndrome. Last evaluated: 2019-05-01. Review status: criteria provided, single submitter. Criteria: ACMG Guidelines, 2015. Collection method: clinical testing. Allele origin: germline.

NM_000038.6(APC):c.1295A>C (p.Asp432Ala)

Gene: APC (APC regulator of Wnt signaling pathway; plus strand). Cytogenetic location: 5q22.2.
Variant type: single nucleotide variant.
Coding change: c.1295A>C on transcript NM_000038.6 (MANE Select); coding-DNA position 1295, A replaced by C.
Protein change: p.Asp432Ala; replaces aspartic acid 432 with alanine.
Molecular consequence: missense variant.
Genome position (GRCh38, 1-based): chr5:112,819,327, A>C. VCF-style: chr5-112819327-A-C. GRCh37 (hg19) VCF-style: chr5-112155024-A-C.
Other names: c.1295A>C, p.Asp432Ala (NM_001127510.3, NM_001354895.2, NM_001354896.2); c.1241A>C, p.Asp414Ala (NM_001127511.3); c.1325A>C, p.Asp442Ala (NM_001354897.2); c.1220A>C, p.Asp407Ala (NM_001354898.2); c.1211A>C, p.Asp404Ala (NM_001354899.2); c.1118A>C, p.Asp373Ala (NM_001354900.2, NM_001354901.2); c.1022A>C, p.Asp341Ala (NM_001354902.2); c.992A>C, p.Asp331Ala (NM_001354903.2); and 3 more; short protein forms D331A, D341A, D373A, D407A, D442A, D432A, D149A, D306A.
Identifiers: ClinVar variation 926739 (VCV000926739.4), dbSNP rs786202283, ClinGen allele CA16024141.